The following is an entry in ClinVar:

NM_001009944.3(PKD1):c.1547G>A (p.Trp516Ter)

Gene: PKD1 (polycystin 1, transient receptor potential channel interacting; minus strand). Cytogenetic location: 16p13.3.
Variant type: single nucleotide variant.
Coding change: c.1547G>A on transcript NM_001009944.3 (MANE Select); coding-DNA position 1547, G replaced by A.
Protein change: p.Trp516Ter; replaces tryptophan 516 with a stop codon.
Molecular consequence: nonsense.
Genome position (GRCh38, 1-based): chr16:2,116,892, C>T on the plus strand (G>A on the coding strand, the complement: PKD1 is on the minus strand). VCF-style: chr16-2116892-C-T. GRCh37 (hg19) VCF-style: chr16-2166893-C-T.
Other names: c.1547G>A, p.Trp516Ter (NM_000296.4); short protein forms W516*.
Identifiers: ClinVar variation 3337471 (VCV003337471.3).

ClinVar aggregate classification (germline): Pathogenic. Review status: criteria provided, multiple submitters, no conflicts (2 of 4 stars). 3 submissions from 3 submitters: Pathogenic (3). Last evaluated 2025-09-30.

Conditions:
Polycystic kidney disease, adult type (PKD1). Also called: Polycystic Kidney, Autosomal Dominant; POLYCYSTIC KIDNEY DISEASE 1 WITH OR WITHOUT POLYCYSTIC LIVER DISEASE; POLYCYSTIC KIDNEY DISEASE, ADULT, TYPE I; Polycystic Kidney Disease 1, Autosomal Dominant; Polycystic kidney disease 1; Polycystic kidney disease 1, severe. Identifiers: MedGen C3149841, MONDO:0008263, OMIM 173900.
PKD1-Biallelic Autosomal Recessive Polycystic Kidney Disease.

Submissions (3):

Women's Health and Genetics/Laboratory Corporation of America, LabCorp
Classification: Pathogenic for PKD1-Biallelic Autosomal Recessive Polycystic Kidney Disease. Last evaluated: 2025-09-30. Review status: criteria provided, single submitter. Criteria: LabCorp Variant Classification Summary - May 2015. Collection method: clinical testing. Allele origin: germline.
Comment: Variant summary: PKD1 c.1547G>A (p.Trp516X) results in a premature termination codon, predicted to cause absence of the protein due to nonsense mediated decay, which is a commonly known mechanism for disease. The frequency data for this variant in gnomAD is considered unreliable, as metrics indicate poor data quality at this position. To our knowledge, no occurrence of c.1547G>A in individuals affected with PKD1-related conditions and no experimental evidence demonstrating its impact on protein function have been reported. ClinVar contains an entry for this variant (Variation ID: 3337471). Based on the evidence outlined above, the variant was classified as pathogenic.

Clinical Genetics Laboratory, Skane University Hospital Lund
Classification: Pathogenic. Last evaluated: 2024-02-06. Review status: criteria provided, single submitter. Criteria: ACMG Guidelines, 2015. Collection method: clinical testing. Allele origin: germline. Affected: yes.

Fulgent Genetics
Classification: Pathogenic for Polycystic kidney disease, adult type. Last evaluated: 2024-01-05. Review status: criteria provided, single submitter. Criteria: ACMG Guidelines, 2015. Collection method: clinical testing. Allele origin: germline.